The following is an entry in ClinVar:

ClinVar aggregate classification (germline): Uncertain significance. Review status: criteria provided, multiple submitters, no conflicts (2 of 4 stars). 2 submissions from 2 submitters: Uncertain significance (2). Last evaluated 2024-08-27.

Allele frequency attached by ClinVar (database versions not stated): gnomAD 0.00001; gnomAD exomes 0.00001; ExAC 0.00002.
gnomAD v4.1: 7 of 1,613,338 alleles (0.00043%); highest among the groups gnomAD compares: Admixed American, 0.0067%; no homozygotes.

Submissions (2):

GeneDx
Classification: Uncertain significance. Last evaluated: 2024-08-27. Review status: criteria provided, single submitter. Criteria: GeneDx Variant Classification Process June 2021. Collection method: clinical testing. Allele origin: germline. Affected: yes.
Comment: Has not been previously published as pathogenic or benign to our knowledge; In silico analysis indicates that this missense variant does not alter protein structure/function

Labcorp Genetics (formerly Invitae), Labcorp
Classification: Uncertain significance. Last evaluated: 2022-08-10. Review status: criteria provided, single submitter. Criteria: Invitae Variant Classification Sherloc (09022015). Collection method: clinical testing. Allele origin: germline.
Comment: In summary, the available evidence is currently insufficient to determine the role of this variant in disease. Therefore, it has been classified as a Variant of Uncertain Significance. Algorithms developed to predict the effect of missense changes on protein structure and function (SIFT, PolyPhen-2, Align-GVGD) all suggest that this variant is likely to be tolerated. ClinVar contains an entry for this variant (Variation ID: 1316012). This variant has not been reported in the literature in individuals affected with POLG2-related conditions. This variant is present in population databases (rs782605785, gnomAD 0.008%). This sequence change replaces histidine, which is basic and polar, with tyrosine, which is neutral and polar, at codon 313 of the POLG2 protein (p.His313Tyr).

NM_007215.4(POLG2):c.937C>T (p.His313Tyr)

Genes: MILR1 (mast cell immunoglobulin like receptor 1; plus strand), POLG2 (DNA polymerase gamma 2, accessory subunit; minus strand). Cytogenetic location: 17q23.3.
Variant type: single nucleotide variant.
Coding change: c.937C>T on transcript NM_007215.4 (MANE Select); coding-DNA position 937, C replaced by T.
Protein change: p.His313Tyr; replaces histidine 313 with tyrosine.
Molecular consequence: missense variant.
Genome position (GRCh38, 1-based): chr17:64,490,828, G>A on the plus strand (C>T on the coding strand, the complement: POLG2 is on the minus strand). VCF-style: chr17-64490828-G-A. GRCh37 (hg19) VCF-style: chr17-62486945-G-A.
Other names: short protein forms H313Y.
Identifiers: ClinVar variation 1316012 (VCV001316012.7), dbSNP rs782605785, ClinGen allele CA8712892.